The following is an entry in ClinVar:

NM_007347.5(AP4E1):c.993G>A (p.Ser331=)

Gene: AP4E1 (adaptor related protein complex 4 subunit epsilon 1; plus strand). Cytogenetic location: 15q21.2.
Variant type: single nucleotide variant.
Coding change: c.993G>A on transcript NM_007347.5 (MANE Select); coding-DNA position 993, G replaced by A.
Protein change: p.Ser331=; no amino-acid change (serine 331 retained).
Molecular consequence: synonymous variant.
Genome position (GRCh38, 1-based): chr15:50,941,491, G>A. VCF-style: chr15-50941491-G-A. GRCh37 (hg19) VCF-style: chr15-51233688-G-A.
Other names: c.768G>A, p.Ser256= (NM_001252127.2).
Identifiers: ClinVar variation 3342971 (VCV003342971.2).

ClinVar aggregate classification (germline): Conflicting classifications of pathogenicity. Review status: criteria provided, conflicting classifications (1 of 4 stars). 2 submissions from 2 submitters: Uncertain significance (1); Likely benign (1). Last evaluated 2026-06-30.

gnomAD v4.1: 62 of 1,612,724 alleles (0.0038%); highest among the groups gnomAD compares: Non-Finnish European, 0.0048%; no homozygotes.

Submissions (2):

Women's Health and Genetics/Laboratory Corporation of America, LabCorp
Classification: Likely benign. Last evaluated: 2026-06-30. Review status: criteria provided, single submitter. Criteria: LabCorp Variant Classification Summary - May 2015. Collection method: clinical testing. Allele origin: germline.

GeneDx
Classification: Uncertain significance. Last evaluated: 2023-04-04. Review status: criteria provided, single submitter. Criteria: GeneDx Variant Classification Process June 2021. Collection method: clinical testing. Allele origin: germline. Affected: yes.
Comment: Not observed at significant frequency in large population cohorts (gnomAD); Has not been previously published as pathogenic or benign to our knowledge; In silico analysis suggests this variant may impact gene splicing. In the absence of RNA/functional studies, the actual effect of this sequence change is unknown.